The following is an entry in ClinVar:

NM_001278064.2(GRM1):c.3178A>G (p.Asn1060Asp)

Gene: GRM1 (glutamate metabotropic receptor 1; plus strand). Cytogenetic location: 6q24.3.
Variant type: single nucleotide variant.
Coding change: c.3178A>G on transcript NM_001278064.2 (MANE Select); coding-DNA position 3178, A replaced by G.
Protein change: p.Asn1060Asp; replaces asparagine 1060 with aspartic acid.
Molecular consequence: missense variant. On other transcripts: 3 prime UTR variant (3).
Genome position (GRCh38, 1-based): chr6:146,434,389, A>G. VCF-style: chr6-146434389-A-G. GRCh37 (hg19) VCF-style: chr6-146755525-A-G.
Other names: c.*542A>G (NM_001278065.2); c.*507A>G (NM_001278066.1); c.*416A>G (NM_001278067.1); short protein forms N1060D.
Identifiers: ClinVar variation 235628 (VCV000235628.3), dbSNP rs755308114, ClinGen allele CA4037632.
Genomic context (GRCh38, chr6:146,434,389, plus strand): 5'-AACTTCAGTACCGCGATCCCGGATTTTCACGCGGTGCTGGCAGGCCCCGGTGGTCCCGGG[A>G]ACGGGCTGCGGTCCCTGTACCCGCCCCCGCCACCTCCGCAGCACCTGCAGATGCTGCCGC-3'
Protein context (NP_001264993.1, residues 1050-1070): AVLAGPGGPG[Asn1060Asp]GLRSLYPPPP

ClinVar aggregate classification (germline): Uncertain significance. Review status: criteria provided, multiple submitters, no conflicts (2 of 4 stars). 2 submissions from 2 submitters: Uncertain significance (2). Last evaluated 2017-12-27.

Allele frequency attached by ClinVar (database versions not stated): TOPMed 0.00004.
gnomAD v4.1: 65 of 1,613,174 alleles (0.004%); highest among the groups gnomAD compares: Non-Finnish European, 0.0054%; no homozygotes.

Submissions (2):

Athena Diagnostics
Classification: Uncertain significance. Last evaluated: 2017-12-27. Review status: criteria provided, single submitter. Criteria: Athena Diagnostics Criteria. Collection method: clinical testing. Allele origin: germline.

Center for Pediatric Genomic Medicine, Children's Mercy Hospital and Clinics
Classification: Uncertain significance. Last evaluated: 2016-04-29. Review status: criteria provided, single submitter. Criteria: ACMG Guidelines, 2015. Collection method: clinical testing. Allele origin: germline.
ClinVar note: Converted during submission from Uncertain Significance to Uncertain significance.